The following is an entry in ClinVar:

NM_080425.4(GNAS):c.926T>C (p.Phe309Ser)

Gene: GNAS (GNAS complex locus; plus strand). Cytogenetic location: 20q13.32.
Variant type: single nucleotide variant.
Coding change: c.926T>C on transcript NM_080425.4 (MANE Plus Clinical); coding-DNA position 926, T replaced by C.
Protein change: p.Phe309Ser; replaces phenylalanine 309 with serine.
Molecular consequence: missense variant. On other transcripts: intron variant (3).
Genome position (GRCh38, 1-based): chr20:58,854,191, T>C. VCF-style: chr20-58854191-T-C. GRCh37 (hg19) VCF-style: chr20-57429246-T-C.
Other names: c.739T>C, p.Ser247Pro (NM_001077490.3, NM_001309883.1); c.926T>C, p.Phe309Ser (NM_001410913.1); c.*42+13305T>C (NM_016592.5); c.43+13305T>C (NM_001410912.1); c.-39+12316T>C (NM_001309861.2); short protein forms F309S, S247P.
Identifiers: ClinVar variation 4883707 (VCV004883707.2).

ClinVar aggregate classification (germline): Uncertain significance (1 of 4 stars; one submission).

Submission:

Dasa
Classification: Uncertain significance. Last evaluated: 2026-03-20. Review status: criteria provided, single submitter. Criteria: DASA Assertion Criteria. Collection method: clinical testing. Allele origin: germline.
Comment: NM_080425.4(GNAS):c.926T>C (p.Phe309Ser) is a missense variant that results in the substitution of phenylalanine with serine. This variant is rare in population databases. The currently available literature and clinical evidence are not sufficient to establish a definitive association between this variant and the reported condition. Therefore, this variant is classified as a variant of uncertain significance.